The following is an entry in ClinVar:

NM_000789.4(ACE):c.2787C>T (p.Thr929=)

Gene: ACE (angiotensin I converting enzyme; plus strand). Cytogenetic location: 17q23.3.
Variant type: single nucleotide variant.
Coding change: c.2787C>T on transcript NM_000789.4 (MANE Select); coding-DNA position 2787, C replaced by T.
Protein change: p.Thr929=; no amino-acid change (threonine 929 retained).
Molecular consequence: synonymous variant.
Genome position (GRCh38, 1-based): chr17:63,491,256, C>T. VCF-style: chr17-63491256-C-T. GRCh37 (hg19) VCF-style: chr17-61568617-C-T.
Other names: c.1065C>T, p.Thr355= (NM_001178057.2, NM_152830.3).
Identifiers: ClinVar variation 324407 (VCV000324407.16), dbSNP rs4348, ClinGen allele CA8700259.

ClinVar aggregate classification (germline): Benign. Review status: criteria provided, multiple submitters, no conflicts (2 of 4 stars). 3 submissions from 3 submitters: Benign (3). Last evaluated 2026-01-24.

Conditions:
Renal tubular dysgenesis. Also called: Renotubular dysgenesis. Identifiers: Orphanet 3033, MedGen C0266313, MONDO:0017609, HP:0008660.

Allele frequency attached by ClinVar (database versions not stated): gnomAD exomes 0.00079 and 0.00221; ExAC 0.00282; gnomAD 0.00854 and 0.00917; 1000 Genomes Project 0.00859; 1000 Genomes Project 30x 0.00906; ESP Exome Variant Server 0.00930; TOPMed 0.00956.
gnomAD v4.1: 2,508 of 1,614,150 alleles (0.16%); highest among the groups gnomAD compares: African/African-American, 3%; 36 homozygotes.

Submissions (3):

Labcorp Genetics (formerly Invitae), Labcorp
Classification: Benign. Last evaluated: 2026-01-24. Review status: criteria provided, single submitter. Criteria: Invitae Variant Classification Sherloc (09022015). Collection method: clinical testing. Allele origin: germline.

Illumina Laboratory Services, Illumina
Classification: Benign for Renal tubular dysgenesis of genetic origin. Last evaluated: 2018-01-12. Review status: criteria provided, single submitter. Criteria: ICSL Variant Classification Criteria 13 December 2019. Collection method: clinical testing. Allele origin: germline.
Comment: This variant was observed in the ICSL laboratory as part of a predisposition screen in an ostensibly healthy population. It had not been previously curated by ICSL or reported in the Human Gene Mutation Database (HGMD: prior to June 1st, 2018), and was therefore a candidate for classification through an automated scoring system. Utilizing variant allele frequency, disease prevalence and penetrance estimates, and inheritance mode, an automated score was calculated to assess if this variant is too frequent to cause the disease. Based on the score and internal cut-off values, a variant classified as benign is not then subjected to further curation. The score for this variant resulted in a classification of benign for this disease.

Breakthrough Genomics
Classification: Benign. Review status: criteria provided, single submitter. Criteria: ACMG Guidelines, 2015. Collection method: not provided. Allele origin: germline. Inheritance: Autosomal recessive inheritance. Affected: yes.